The following is an entry in ClinVar:

ClinVar aggregate classification (germline): Uncertain significance (1 of 4 stars; one submission).

Submission:

Labcorp Genetics (formerly Invitae), Labcorp
Classification: Uncertain significance. Last evaluated: 2020-12-24. Review status: criteria provided, single submitter. Criteria: Invitae Variant Classification Sherloc (09022015). Collection method: clinical testing. Allele origin: germline.
Comment: This variant has not been reported in the literature in individuals with SZT2-related conditions. Algorithms developed to predict the effect of missense changes on protein structure and function are either unavailable or do not agree on the potential impact of this missense change (SIFT: "Deleterious"; PolyPhen-2: "Benign"; Align-GVGD: "Class C0"). In summary, the available evidence is currently insufficient to determine the role of this variant in disease. Therefore, it has been classified as a Variant of Uncertain Significance. This variant is not present in population databases (ExAC no frequency). This sequence change replaces glycine with arginine at codon 2053 of the SZT2 protein (p.Gly2053Arg). The glycine residue is highly conserved and there is a moderate physicochemical difference between glycine and arginine.

NM_001365999.1(SZT2):c.6328G>A (p.Gly2110Arg)

Gene: SZT2 (SZT2 subunit of KICSTOR complex; plus strand). Cytogenetic location: 1p34.2.
Variant type: single nucleotide variant.
Coding change: c.6328G>A on transcript NM_001365999.1 (MANE Select); coding-DNA position 6328, G replaced by A.
Protein change: p.Gly2110Arg; replaces glycine 2110 with arginine.
Molecular consequence: missense variant.
Genome position (GRCh38, 1-based): chr1:43,437,632, G>A. VCF-style: chr1-43437632-G-A. GRCh37 (hg19) VCF-style: chr1-43903303-G-A.
Other names: c.6157G>A, p.Gly2053Arg (NM_015284.4); short protein forms G2110R, G2053R.
Identifiers: ClinVar variation 1377378 (VCV001377378.7), dbSNP rs1462312006, ClinGen allele CA340029214.